The following is an entry in ClinVar:

ClinVar aggregate classification (germline): Uncertain significance (1 of 4 stars; one submission).

Submission:

Women's Health and Genetics/Laboratory Corporation of America, LabCorp
Classification: Uncertain significance. Last evaluated: 2026-03-12. Review status: criteria provided, single submitter. Criteria: LabCorp Variant Classification Summary - May 2015. Collection method: clinical testing. Allele origin: germline.
Comment: Variant summary: GAA c.1943G>C (p.Gly648Ala) results in a non-conservative amino acid change in the encoded protein sequence. Algorithms developed to predict the effect of missense changes on protein structure and function all suggest that this variant is likely to be disruptive. The variant was absent in 242738 control chromosomes. To our knowledge, no occurrence of c.1943G>C in individuals affected with GAA-related conditions and no experimental evidence demonstrating its impact on protein function have been reported. Multiple variants located at the same codon (c.1942G>A, p.G648S; c.1943G>A, p.G648D) have been classified as Pathogenic/Likely Pathogenic by our lab, supporting a critical relevance of this residue to GAA protein function. No submitters have cited clinical-significance assessments for this variant to ClinVar. Based on the evidence outlined above, the variant was classified as VUS-possibly pathogenic.

NM_000152.5(GAA):c.1943G>C (p.Gly648Ala)

Gene: GAA (alpha glucosidase; plus strand). Cytogenetic location: 17q25.3.
Variant type: single nucleotide variant.
Coding change: c.1943G>C on transcript NM_000152.5 (MANE Select); coding-DNA position 1943, G replaced by C.
Protein change: p.Gly648Ala; replaces glycine 648 with alanine.
Molecular consequence: missense variant.
Genome position (GRCh38, 1-based): chr17:80,112,930, G>C. VCF-style: chr17-80112930-G-C. GRCh37 (hg19) VCF-style: chr17-78086729-G-C.
Other names: c.1943G>C, p.Gly648Ala (NM_001079803.3, NM_001079804.3, NM_001406741.1 and 1 more transcripts); short protein forms G648A.
Identifiers: ClinVar variation 4847292 (VCV004847292.1).